The following is an entry in ClinVar:

ClinVar aggregate classification (germline): Conflicting classifications of pathogenicity. Review status: criteria provided, conflicting classifications (1 of 4 stars). 4 submissions from 4 submitters: Likely pathogenic (1); Uncertain significance (3). Last evaluated 2025-12-19.

Conditions:
Developmental and epileptic encephalopathy, 42 (DEE42A). Also called: DEVELOPMENTAL AND EPILEPTIC ENCEPHALOPATHY 42A; EPILEPTIC ENCEPHALOPATHY, EARLY INFANTILE, 42A; Epileptic encephalopathy, early infantile, 42. Identifiers: MedGen C4310716, MONDO:0014917, OMIM 617106.
Episodic ataxia type 2 (EA2). Also called: ACETAZOLAMIDE-RESPONSIVE HEREDITARY PAROXYSMAL CEREBELLAR ATAXIA; EPISODIC ATAXIA, NYSTAGMUS-ASSOCIATED; ATAXIA, EPISODIC, WITH NYSTAGMUS; ATAXIA, FAMILIAL PAROXYSMAL; CEREBELLAR ATAXIA, PAROXYSMAL, ACETAZOLAMIDE-RESPONSIVE; CEREBELLOPATHY, HEREDITARY PAROXYSMAL. Identifiers: Orphanet 97, MedGen C1720416, MONDO:0007163, OMIM 108500.

Allele frequency attached by ClinVar (database versions not stated): gnomAD exomes 0.00001; gnomAD 0.00002; TOPMed 0.00002.
gnomAD v4.1: 17 of 1,613,516 alleles (0.0011%); highest among the groups gnomAD compares: East Asian, 0.011%; no homozygotes.

Submissions (4):

Labcorp Genetics (formerly Invitae), Labcorp
Classification: Uncertain significance for Developmental and epileptic encephalopathy, 42; Episodic ataxia type 2. Last evaluated: 2025-12-19. Review status: criteria provided, single submitter. Criteria: Invitae Variant Classification Sherloc (09022015). Collection method: clinical testing. Allele origin: germline.
Comment: This sequence change replaces arginine, which is basic and polar, with cysteine, which is neutral and slightly polar, at codon 481 of the CACNA1A protein (p.Arg481Cys). This variant is present in population databases (no rsID available, gnomAD 0.007%). This missense change has been observed in individual(s) with developmental disorders (PMID: 28135719). ClinVar contains an entry for this variant (Variation ID: 932696). Invitae Evidence Modeling of protein sequence and biophysical properties (such as structural, functional, and spatial information, amino acid conservation, physicochemical variation, residue mobility, and thermodynamic stability) indicates that this missense variant is expected to disrupt CACNA1A protein function with a positive predictive value of 95%. In summary, the available evidence is currently insufficient to determine the role of this variant in disease. Therefore, it has been classified as a Variant of Uncertain Significance.

CeGaT Center for Human Genetics Tuebingen
Classification: Uncertain significance. Last evaluated: 2025-09-01. Review status: criteria provided, single submitter. Criteria: CeGaT Center For Human Genetics Tuebingen Variant Classification Criteria Version 2. Collection method: clinical testing. Allele origin: germline. Affected: yes. Observed: 4 variant alleles.
Comment: CACNA1A: PP3

Institute of Human Genetics, Heidelberg University
Classification: Likely pathogenic for Developmental and epileptic encephalopathy, 42. Last evaluated: 2024-09-13. Review status: criteria provided, single submitter. Criteria: ACMG Guidelines, 2015. Collection method: clinical testing. Allele origin: unknown. Affected: yes.

Blueprint Genetics
Classification: Uncertain significance. Last evaluated: 2021-08-30. Review status: criteria provided, single submitter. Criteria: ACMG Guidelines, 2015. Collection method: clinical testing. Allele origin: germline.

Literature cited by the submitters: PubMed 28135719 (cited by Labcorp Genetics (formerly Invitae), Labcorp).

NM_001127222.2(CACNA1A):c.1438C>T (p.Arg480Cys)

Gene: CACNA1A (calcium voltage-gated channel subunit alpha1 A; minus strand). Cytogenetic location: 19p13.13.
Variant type: single nucleotide variant.
Coding change: c.1438C>T on transcript NM_001127222.2 (MANE Select); coding-DNA position 1438, C replaced by T.
Protein change: p.Arg480Cys; replaces arginine 480 with cysteine.
Molecular consequence: missense variant.
Genome position (GRCh38, 1-based): chr19:13,317,229, G>A on the plus strand (C>T on the coding strand, the complement: CACNA1A is on the minus strand). VCF-style: chr19-13317229-G-A. GRCh37 (hg19) VCF-style: chr19-13428043-G-A.
Other names: c.1441C>T, p.Arg481Cys (NM_000068.4, NM_001127221.2, NM_001174080.2 and 1 more transcripts); short protein forms R481C, R480C.
Identifiers: ClinVar variation 932696 (VCV000932696.45), dbSNP rs1189054127, ClinGen allele CA404345805.